The following is an entry in ClinVar:

NM_024334.3(TMEM43):c.1085T>G (p.Leu362Arg)

Gene: TMEM43 (transmembrane protein 43; plus strand). Cytogenetic location: 3p25.1.
Variant type: single nucleotide variant.
Coding change: c.1085T>G on transcript NM_024334.3 (MANE Select); coding-DNA position 1085, T replaced by G.
Protein change: p.Leu362Arg; replaces leucine 362 with arginine.
Molecular consequence: missense variant.
Genome position (GRCh38, 1-based): chr3:14,141,677, T>G. VCF-style: chr3-14141677-T-G. GRCh37 (hg19) VCF-style: chr3-14183177-T-G.
Other names: short protein forms L362R.
Identifiers: ClinVar variation 840521 (VCV000840521.16), dbSNP rs756256793, ClinGen allele CA051146.

ClinVar aggregate classification (germline): Conflicting classifications of pathogenicity. Review status: criteria provided, conflicting classifications (1 of 4 stars). 4 submissions from 4 submitters: Uncertain significance (1); Benign (1); Likely benign (2). Last evaluated 2023-06-26.

Conditions:
Cardiovascular phenotype. Identifiers: MedGen CN230736.
Arrhythmogenic right ventricular dysplasia 5. Also called: Arrhythmogenic Right Ventricular Dysplasia/Cardiomyopathy 5; ARRHYTHMOGENIC RIGHT VENTRICULAR DYSPLASIA, FAMILIAL, 5. Identifiers: MedGen C1858379, MONDO:0011459, OMIM 604400.
Cardiomyopathy (CMYO). Also called: Cardiomyopathies. Identifiers: Orphanet 167848, MedGen C0878544, MONDO:0004994, HP:0001638. Inheritance: Various modes of inheritance.

Allele frequency attached by ClinVar (database versions not stated): gnomAD 0.00001 and 0.00002; gnomAD exomes 0.00002 and 0.00008; ExAC 0.00012.
gnomAD v4.1: 30 of 1,614,130 alleles (0.0019%); highest among the groups gnomAD compares: South Asian, 0.031%; no homozygotes.

Submissions (4):

All of Us Research Program, National Institutes of Health
Classification: Likely benign for Arrhythmogenic right ventricular dysplasia 5. Last evaluated: 2023-06-26. Review status: criteria provided, single submitter. Criteria: ACMG Guidelines, 2015. Collection method: clinical testing. Allele origin: germline. Inheritance: Autosomal dominant inheritance. Observed: 1 variant allele, 1 heterozygote.
Comment: This missense variant replaces leucine with arginine at codon 362 of the TMEM43 protein. Computational prediction is inconclusive regarding the impact of this variant on protein structure and function (internally defined REVEL score threshold 0.5 < inconclusive < 0.7, PMID: 27666373). To our knowledge, functional studies have not been reported for this variant. This variant has not been reported in individuals affected with cardiovascular disorders in the literature. This variant has been identified in 20/282824 chromosomes in the general population by the Genome Aggregation Database (gnomAD). The available evidence is insufficient to determine the role of this variant in disease conclusively. Therefore, this variant is classified as a Variant of Uncertain Significance.

This study involves interpretation of variants in research participants for the purpose of population health screening. Participant phenotype was not available at the time of variant classification. Additional details can be found in publication PMID: 35346344, PMCID: PMC8962531

Color Diagnostics, LLC DBA Color Health
Classification: Likely benign for Cardiomyopathy. Last evaluated: 2023-06-08. Review status: criteria provided, single submitter. Criteria: ACMG Guidelines, 2015. Collection method: clinical testing. Allele origin: germline.

Ambry Genetics
Classification: Benign for Cardiovascular phenotype. Last evaluated: 2023-03-13. Review status: criteria provided, single submitter. Criteria: Ambry Variant Classification Scheme 2023. Collection method: clinical testing. Allele origin: germline.

Labcorp Genetics (formerly Invitae), Labcorp
Classification: Uncertain significance for Arrhythmogenic right ventricular dysplasia 5. Last evaluated: 2022-08-23. Review status: criteria provided, single submitter. Criteria: Invitae Variant Classification Sherloc (09022015). Collection method: clinical testing. Allele origin: germline.
Comment: ClinVar contains an entry for this variant (Variation ID: 840521). This sequence change replaces leucine, which is neutral and non-polar, with arginine, which is basic and polar, at codon 362 of the TMEM43 protein (p.Leu362Arg). This variant is present in population databases (rs756256793, gnomAD 0.06%), and has an allele count higher than expected for a pathogenic variant. This variant has not been reported in the literature in individuals affected with TMEM43-related conditions. Algorithms developed to predict the effect of missense changes on protein structure and function are either unavailable or do not agree on the potential impact of this missense change (SIFT: "Deleterious"; PolyPhen-2: "Probably Damaging"; Align-GVGD: "Class C0"). In summary, the available evidence is currently insufficient to determine the role of this variant in disease. Therefore, it has been classified as a Variant of Uncertain Significance.